The following is an entry in ClinVar:

ClinVar aggregate classification (germline): Likely benign (0 of 4 stars; one submission).

Conditions:
PREPL-related disorder. Also called: PREPL-related condition.

Allele frequency attached by ClinVar (database versions not stated): TOPMed below 0.00001; gnomAD exomes 0.00001.
gnomAD v4.1: 7 of 1,573,050 alleles (0.00044%); highest among the groups gnomAD compares: Non-Finnish European, 0.0006%; no homozygotes.

Submission:

PreventionGenetics, part of Exact Sciences
Classification: Likely benign for PREPL-related condition. Last evaluated: 2023-10-19. Review status: no assertion criteria provided. Collection method: clinical testing. Allele origin: germline.
Comment: This variant is classified as likely benign based on ACMG/AMP sequence variant interpretation guidelines (Richards et al. 2015 PMID: 25741868, with internal and published modifications).

NM_001171613.2(PREPL):c.1480-5T>C

Gene: PREPL (prolyl endopeptidase like; minus strand). Cytogenetic location: 2p21.
Variant type: single nucleotide variant.
Coding change: c.1480-5T>C on transcript NM_001171613.2 (MANE Select); 5 bases into the intron before coding-DNA position 1480, T replaced by C.
Molecular consequence: intron variant.
Genome position (GRCh38, 1-based): chr2:44,323,416, A>G on the plus strand (T>C on the coding strand, the complement: PREPL is on the minus strand). VCF-style: chr2-44323416-A-G. GRCh37 (hg19) VCF-style: chr2-44550555-A-G.
Other names: c.1480-5T>C (NM_001171617.1, NM_001374277.1); c.1747-5T>C (NM_001171603.1, NM_001374275.1, NM_001374276.1 and 2 more transcripts); c.1561-5T>C (NM_001042385.2); c.1549-5T>C (NM_001042386.2).
Identifiers: ClinVar variation 3029152 (VCV003029152.2), dbSNP rs1673178347, ClinGen allele CA2494222743.
Genomic context (GRCh38, chr2:44,323,416, plus strand): 5'-AATGTCAGAGGAAGTGTAGTGTCCATCATGGTGTTGAGAACATCCAAGAAAGGTGCCTAA[A>G]AAAAAGGCAAAGAAACTTATACTTCAAGTAAGAGGTTGGTAAGTGAGTTTCAGAAAAACA-3'